The following is an entry in ClinVar:

NM_000059.4(BRCA2):c.469_470insT (p.Lys157fs)

Gene: BRCA2 (BRCA2 DNA repair associated; plus strand). Cytogenetic location: 13q13.1.
Variant type: Insertion.
Coding change: c.469_470insT on transcript NM_000059.4 (MANE Select); coding-DNA positions 469 to 470, T inserted.
Protein change: p.Lys157fs; shifts the reading frame from lysine 157.
Molecular consequence: frameshift variant.
Genome position: GRCh38 VCF-style: chr13-32326144-A-AT. GRCh37 (hg19) VCF-style: chr13-32900281-A-AT.
Other names: 697_698insT; short protein forms K157fs.
Identifiers: ClinVar variation 266825 (VCV000266825.4), dbSNP rs886040543, ClinGen allele CA10589026.

ClinVar aggregate classification (germline): Pathogenic. Review status: reviewed by expert panel (3 of 4 stars). 2 submissions from 2 submitters: Pathogenic (1). 1 of the submissions does not count toward it. Last evaluated 2016-10-18.

Conditions:
Breast-ovarian cancer, familial, susceptibility to, 2 (BROVCA2). Also called: BRCA2 Hereditary Breast and Ovarian Cancer. Identifiers: Orphanet 145, MedGen C2675520, MONDO:0012933, OMIM 612555. Disease mechanism: loss of function.

Submissions (2):

Evidence-based Network for the Interpretation of Germline Mutant Alleles (ENIGMA)
Classification: Pathogenic for Breast-ovarian cancer, familial, susceptibility to, 2. Last evaluated: 2016-10-18. Review status: reviewed by expert panel. Criteria: ENIGMA BRCA1/2 Classification Criteria (2015). Collection method: curation. Allele origin: germline.
Comment: Variant allele predicted to encode a truncated non-functional protein.

Institute of Genomics, University of Tartu
Classification: Pathogenic for Breast-ovarian cancer, familial, susceptibility to, 2. Review status: criteria provided, single submitter. Criteria: ACMG Guidelines, 2015. Collection method: research. Allele origin: germline. Observed: 1 variant allele. Not counted in ClinVar's aggregate classification.